The following is an entry in ClinVar:

ClinVar aggregate classification (germline): Likely benign (1 of 4 stars; one submission).

gnomAD v4.1: 277 of 948,688 alleles (0.029%); highest among the groups gnomAD compares: Non-Finnish European, 0.033%; no homozygotes.

Submission:

CeGaT Center for Human Genetics Tuebingen
Classification: Likely benign. Last evaluated: 2025-07-01. Review status: criteria provided, single submitter. Criteria: CeGaT Center For Human Genetics Tuebingen Variant Classification Criteria Version 2. Collection method: clinical testing. Allele origin: germline. Affected: yes. Observed: 1 variant allele.
Comment: MCPH1: BP4, BP7

NM_024596.5(MCPH1):c.2452+3215G>A

Genes: MCPH1 (microcephalin 1; plus strand), MCPH1-AS1 (MCPH1 antisense RNA 1; minus strand). Cytogenetic location: 8p23.1.
Variant type: single nucleotide variant.
Coding change: c.2452+3215G>A on transcript NM_024596.5 (MANE Select); 3215 bases into the intron after coding-DNA position 2452, G replaced by A.
Molecular consequence: intron variant. On other transcripts: synonymous variant (1).
Genome position (GRCh38, 1-based): chr8:6,624,906, G>A. VCF-style: chr8-6624906-G-A. GRCh37 (hg19) VCF-style: chr8-6482427-G-A.
Other names: c.2463G>A, p.Ser821= (NM_001322042.2); c.2173+3215G>A (NM_001363980.2); c.2452+3215G>A (NM_001363979.1); c.2453-1051G>A (NM_001410917.1).
Identifiers: ClinVar variation 4084462 (VCV004084462.8).